The following is an entry in ClinVar:

NM_019842.4(KCNQ5):c.253G>A (p.Ala85Thr)

Genes: KCNQ5 (potassium voltage-gated channel subfamily Q member 5; plus strand), KCNQ5-DT (KCNQ5 divergent transcript; minus strand). Cytogenetic location: 6q13.
Variant type: single nucleotide variant.
Coding change: c.253G>A on transcript NM_019842.4 (MANE Select); coding-DNA position 253, G replaced by A.
Protein change: p.Ala85Thr; replaces alanine 85 with threonine.
Molecular consequence: missense variant.
Genome position (GRCh38, 1-based): chr6:72,622,442, G>A. VCF-style: chr6-72622442-G-A. GRCh37 (hg19) VCF-style: chr6-73332170-G-A.
Other names: c.253G>A, p.Ala85Thr (NM_001160130.2, NM_001160132.2, NM_001160133.2 and 1 more transcripts); short protein forms A85T.
Identifiers: ClinVar variation 2087649 (VCV002087649.4), dbSNP rs2098915802, ClinGen allele CA364824453.

ClinVar aggregate classification (germline): Uncertain significance (1 of 4 stars; one submission).

gnomAD v4.1: 3 of 1,568,390 alleles (0.00019%); highest among the groups gnomAD compares: East Asian, 0.0024%; no homozygotes.

Submission:

Labcorp Genetics (formerly Invitae), Labcorp
Classification: Uncertain significance. Last evaluated: 2022-01-18. Review status: criteria provided, single submitter. Criteria: Invitae Variant Classification Sherloc (09022015). Collection method: clinical testing. Allele origin: germline.
Comment: This variant has not been reported in the literature in individuals affected with KCNQ5-related conditions. Algorithms developed to predict the effect of missense changes on protein structure and function are either unavailable or do not agree on the potential impact of this missense change (SIFT: "Tolerated"; PolyPhen-2: "Probably Damaging"; Align-GVGD: "Class C0"). In summary, the available evidence is currently insufficient to determine the role of this variant in disease. Therefore, it has been classified as a Variant of Uncertain Significance. This variant is not present in population databases (gnomAD no frequency). This sequence change replaces alanine, which is neutral and non-polar, with threonine, which is neutral and polar, at codon 85 of the KCNQ5 protein (p.Ala85Thr).